The following is an entry in ClinVar:

ClinVar aggregate classification (germline): Uncertain significance (1 of 4 stars; one submission).

Conditions:
Familial temporal lobe epilepsy 7. Identifiers: Orphanet 101046, MedGen C4225327, MONDO:0014639, OMIM 616436.
Norman-Roberts syndrome (LIS2). Also called: Lissencephaly 2 (Norman-Roberts type). Identifiers: Orphanet 89844, MedGen C0796089, MONDO:0009760, OMIM 257320.

gnomAD v4.1: 8 of 1,613,072 alleles (0.0005%); highest among the groups gnomAD compares: South Asian, 0.0066%; no homozygotes.

Submission:

Labcorp Genetics (formerly Invitae), Labcorp
Classification: Uncertain significance for Familial temporal lobe epilepsy 7; Norman-Roberts syndrome. Last evaluated: 2025-11-03. Review status: criteria provided, single submitter. Criteria: Invitae Variant Classification Sherloc (09022015). Collection method: clinical testing. Allele origin: germline.
Comment: This sequence change replaces histidine, which is basic and polar, with tyrosine, which is neutral and polar, at codon 2710 of the RELN protein (p.His2710Tyr). This variant is present in population databases (rs776187813, gnomAD 0.01%). This variant has not been reported in the literature in individuals affected with RELN-related conditions. ClinVar contains an entry for this variant (Variation ID: 3755538). Invitae Evidence Modeling of protein sequence and biophysical properties (such as structural, functional, and spatial information, amino acid conservation, physicochemical variation, residue mobility, and thermodynamic stability) indicates that this missense variant is not expected to disrupt RELN protein function with a negative predictive value of 80%. In summary, the available evidence is currently insufficient to determine the role of this variant in disease. Therefore, it has been classified as a Variant of Uncertain Significance.

NM_005045.4(RELN):c.8128C>T (p.His2710Tyr)

Genes: RELN (reelin; minus strand), SLC26A5-AS1 (SLC26A5 antisense RNA 1; plus strand). Cytogenetic location: 7q22.1.
Variant type: single nucleotide variant.
Coding change: c.8128C>T on transcript NM_005045.4 (MANE Select); coding-DNA position 8128, C replaced by T.
Protein change: p.His2710Tyr; replaces histidine 2710 with tyrosine.
Molecular consequence: missense variant.
Genome position (GRCh38, 1-based): chr7:103,510,997, G>A on the plus strand (C>T on the coding strand, the complement: RELN is on the minus strand). VCF-style: chr7-103510997-G-A. GRCh37 (hg19) VCF-style: chr7-103151444-G-A.
Other names: c.8128C>T, p.His2710Tyr (NM_173054.3); short protein forms H2710Y.
Identifiers: ClinVar variation 3755538 (VCV003755538.2).